The following is an entry in ClinVar:

ClinVar aggregate classification (germline): Pathogenic (1 of 4 stars; one submission).

Conditions:
Osteogenesis imperfecta type I (OI1). Also called: OI, TYPE I; OSTEOGENESIS IMPERFECTA TARDA; OSTEOGENESIS IMPERFECTA WITH BLUE SCLERAE; Osteogenesis imperfecta type 1; Classic Non-deforming Osteogenesis Imperfecta with Blue Sclerae; Lobstein disease. Identifiers: Orphanet 216796, Orphanet 666, MedGen C0023931, MONDO:0008146, OMIM 166200. Disease mechanism: loss of function.

Submission:

Labcorp Genetics (formerly Invitae), Labcorp
Classification: Pathogenic for Osteogenesis imperfecta type I. Last evaluated: 2022-09-22. Review status: criteria provided, single submitter. Criteria: Invitae Variant Classification Sherloc (09022015). Collection method: clinical testing. Allele origin: germline.
Comment: For these reasons, this variant has been classified as Pathogenic. This variant has not been reported in the literature in individuals affected with COL1A1-related conditions. This variant is not present in population databases (gnomAD no frequency). This sequence change creates a premature translational stop signal (p.Cys92Leufs*77) in the COL1A1 gene. It is expected to result in an absent or disrupted protein product. Loss-of-function variants in COL1A1 are known to be pathogenic (PMID: 7942841, 9295084, 9443882).

Literature cited by the submitters: PubMed 7942841; PubMed 9295084; PubMed 9443882.

NM_000088.4(COL1A1):c.273dup (p.Cys92fs)

Gene: COL1A1 (collagen type I alpha 1 chain; minus strand). Cytogenetic location: 17q21.33.
Variant type: Duplication.
Coding change: c.273dup on transcript NM_000088.4 (MANE Select); coding-DNA position 273, one base duplicated (C; older notation c.273dupC).
Protein change: p.Cys92fs; shifts the reading frame from cysteine 92.
Molecular consequence: frameshift variant.
Genome position (GRCh38, 1-based): chr17:50,199,778, G duplicated on the plus strand (C on the coding strand, the reverse complement: COL1A1 is on the minus strand). VCF-style (leftmost placement, unchanged base first): chr17-50199777-A-AG. GRCh37 (hg19) VCF-style: chr17-48277138-A-AG.
Other names: short protein forms C92fs.
Identifiers: ClinVar variation 2031752 (VCV002031752.4), dbSNP rs2509258234, ClinGen allele CA2580094606.